The following is an entry in ClinVar:

ClinVar aggregate classification (germline): Uncertain significance. Review status: criteria provided, multiple submitters, no conflicts (2 of 4 stars). 3 submissions from 3 submitters: Uncertain significance (3). Last evaluated 2025-10-17.

Conditions:
Hypertrophic cardiomyopathy. Also called: HYPERTROPHIC MYOCARDIOPATHY. Identifiers: Orphanet 217569, MedGen C0007194, MeSH D002312, MONDO:0005045, HP:0001639.
Cardiovascular phenotype. Identifiers: MedGen CN230736.

Allele frequency attached by ClinVar (database versions not stated): gnomAD exomes below 0.00001.
gnomAD v4.1: 3 of 1,613,872 alleles (0.00019%); highest among the groups gnomAD compares: Middle Eastern, 0.033%; no homozygotes.

Submissions (3):

Labcorp Genetics (formerly Invitae), Labcorp
Classification: Uncertain significance for Hypertrophic cardiomyopathy. Last evaluated: 2025-10-17. Review status: criteria provided, single submitter. Criteria: Invitae Variant Classification Sherloc (09022015). Collection method: clinical testing. Allele origin: germline.
Comment: This sequence change replaces glutamic acid, which is acidic and polar, with glutamine, which is neutral and polar, at codon 170 of the MYL3 protein (p.Glu170Gln). This variant is not present in population databases (gnomAD no frequency). This missense change has been observed in individual(s) with hypertrophic cardiomyopathy (PMID: 37431535, 37652022). ClinVar contains an entry for this variant (Variation ID: 970425). An algorithm developed to predict the effect of missense changes on protein structure and function (PolyPhen-2) suggests that this variant is likely to be disruptive. In summary, the available evidence is currently insufficient to determine the role of this variant in disease. Therefore, it has been classified as a Variant of Uncertain Significance.

All of Us Research Program, National Institutes of Health
Classification: Uncertain significance for Hypertrophic cardiomyopathy. Last evaluated: 2024-02-22. Review status: criteria provided, single submitter. Criteria: ACMG Guidelines, 2015. Collection method: clinical testing. Allele origin: germline. Inheritance: Autosomal dominant inheritance. Observed: 1 variant allele, 1 heterozygote.
Comment: This missense variant replaces glutamic acid with glutamine at codon 170 of the MYL3 protein. Computational prediction tools indicate that this variant has a deleterious impact on protein structure and function. To our knowledge, functional studies have not been reported for this variant. This variant has been reported in three homozygous and three heterozygous individuals affected with hypertrophic cardiomyopathy (PMID: 37431535). This variant has not been identified in the general population by the Genome Aggregation Database (gnomAD). The available evidence is insufficient to determine the role of this variant in disease conclusively. Therefore, this variant is classified as a Variant of Uncertain Significance.

This study involves interpretation of variants in research participants for the purpose of population health screening. Participant phenotype was not available at the time of variant classification. Additional details can be found in publication PMID: 35346344, PMCID: PMC8962531

Ambry Genetics
Classification: Uncertain significance for Cardiovascular phenotype. Last evaluated: 2022-09-05. Review status: criteria provided, single submitter. Criteria: Ambry Variant Classification Scheme 2023. Collection method: clinical testing. Allele origin: germline.
Comment: The p.E170Q variant (also known as c.508G>C), located in coding exon 5 of the MYL3 gene, results from a G to C substitution at nucleotide position 508. The glutamic acid at codon 170 is replaced by glutamine, an amino acid with highly similar properties. This amino acid position is conserved. In addition, the in silico prediction for this alteration is inconclusive. Since supporting evidence is limited at this time, the clinical significance of this alteration remains unclear.

Literature cited by the submitters: PubMed 37431535 (cited by Labcorp Genetics (formerly Invitae), Labcorp and All of Us Research Program, National Institutes of Health); PubMed 37652022 (cited by Labcorp Genetics (formerly Invitae), Labcorp).

NM_000258.3(MYL3):c.508G>C (p.Glu170Gln)

Gene: MYL3 (myosin light chain 3; minus strand). Cytogenetic location: 3p21.31.
Variant type: single nucleotide variant.
Coding change: c.508G>C on transcript NM_000258.3 (MANE Select); coding-DNA position 508, G replaced by C.
Protein change: p.Glu170Gln; replaces glutamic acid 170 with glutamine.
Molecular consequence: missense variant.
Genome position (GRCh38, 1-based): chr3:46,858,435, C>G on the plus strand (G>C on the coding strand, the complement: MYL3 is on the minus strand). VCF-style: chr3-46858435-C-G. GRCh37 (hg19) VCF-style: chr3-46899925-C-G.
Other names: short protein forms E170Q.
Identifiers: ClinVar variation 970425 (VCV000970425.10), dbSNP rs864622538, ClinGen allele CA352495526.
Genomic context (GRCh38, chr3:46,858,435, plus strand): 5'-TGAGCCCACCTTCATAGTTGATGCAGCCATTGGAGTCCTCTTGCCCAGCCATCAACTTCT[C>G]CACTTCGTCTTCTGTCAGCCTCTCACCTGGCAGGAGTGGGAGGCTGAGTCAGCACCGTGC-3'
Protein context (NP_000249.1, residues 160-180): LGERLTEDEV[Glu170Gln]KLMAGQEDSN